The following is an entry in ClinVar:

ClinVar aggregate classification (germline): Likely pathogenic (1 of 4 stars; one submission).

Conditions:
Orofaciodigital syndrome I (OFD1). Also called: OFDS I; Papillon-Leage and Psaume Syndrome; Oral-Facial-Digital Syndrome Type I. Identifiers: Orphanet 2750, MedGen C1510460, MONDO:0010702, OMIM 311200.
Retinitis pigmentosa 23 (RP23). Identifiers: Orphanet 791, MedGen C1419610, MONDO:0010320, OMIM 300424.
Simpson-Golabi-Behmel syndrome type 2. Identifiers: Orphanet 79022, MedGen C1846175, MONDO:0010265, OMIM 300209.
Joubert syndrome 10 (JBTS10). Identifiers: Orphanet 2754, MedGen C2749019, MONDO:0010431, OMIM 300804.

Submission:

Juno Genomics, Hangzhou Juno Genomics, Inc
Classification: Likely pathogenic for Retinitis pigmentosa 23; Joubert syndrome 10; Orofaciodigital syndrome I; Simpson-Golabi-Behmel syndrome type 2. Review status: criteria provided, single submitter. Criteria: ACMG Guidelines, 2015. Collection method: clinical testing. Allele origin: germline.
Comment: Absent from controls (or at extremely low frequency if recessive) in Genome Aggregation Database.;Null variant in a gene where loss of function (LOF) is a known mechanism of disease.

NM_003611.3(OFD1):c.1597_1598del (p.Lys533fs)

Gene: OFD1 (OFD1 centriole and centriolar satellite protein; plus strand). Cytogenetic location: Xp22.2.
Variant type: Deletion.
Coding change: c.1597_1598del on transcript NM_003611.3 (MANE Select); coding-DNA positions 1597 to 1598, 2 bases deleted (AA; older notation c.1597_1598delAA).
Protein change: p.Lys533fs; shifts the reading frame from lysine 533.
Molecular consequence: frameshift variant.
Genome position (GRCh38, 1-based): chrX:13,758,391-13,758,392, AA deleted; deleting any 2 consecutive bases within chrX:13,758,390-13,758,392 gives the same sequence; the c. name uses the placement nearest the transcript's 3' end. VCF-style (leftmost placement, unchanged base first): chrX-13758389-TAA-T. GRCh37 (hg19) VCF-style: chrX-13776508-TAA-T.
Other names: c.1477_1478del, p.Lys493fs (NM_001330209.2); c.1177_1178del, p.Lys393fs (NM_001330210.2); short protein forms K393fs, K493fs, K533fs.
Identifiers: ClinVar variation 3382813 (VCV003382813.3).